The following is an entry in ClinVar:

NM_015932.6(POMP):c.372C>T (p.Ser124=)

Gene: POMP (proteasome maturation protein; plus strand). Cytogenetic location: 13q12.3.
Variant type: single nucleotide variant.
Coding change: c.372C>T on transcript NM_015932.6 (MANE Select); coding-DNA position 372, C replaced by T.
Protein change: p.Ser124=; no amino-acid change (serine 124 retained).
Molecular consequence: synonymous variant.
Genome position (GRCh38, 1-based): chr13:28,678,048, C>T. VCF-style: chr13-28678048-C-T. GRCh37 (hg19) VCF-style: chr13-29252185-C-T.
Other names: c.372C>T (NM_015932.5).
Identifiers: ClinVar variation 2074124 (VCV002074124.7), dbSNP rs368820757, ClinGen allele CA6931114.

ClinVar aggregate classification (germline): Likely benign. Review status: criteria provided, multiple submitters, no conflicts (2 of 4 stars). 3 submissions from 3 submitters: Likely benign (2). 1 of the submissions does not count toward it. Last evaluated 2025-12-19.

Conditions:
POMP-related disorder. Also called: POMP-related condition.
Inborn genetic diseases. Identifiers: MedGen C0950123, MeSH D030342.

Allele frequency attached by ClinVar (database versions not stated): ExAC 0.00002; gnomAD 0.00005; gnomAD exomes 0.00005; TOPMed 0.00005; ESP Exome Variant Server 0.00008.
gnomAD v4.1: 84 of 1,613,872 alleles (0.0052%); highest among the groups gnomAD compares: East Asian, 0.033%; no homozygotes.

Submissions (3):

Labcorp Genetics (formerly Invitae), Labcorp
Classification: Likely benign. Last evaluated: 2025-12-19. Review status: criteria provided, single submitter. Criteria: Invitae Variant Classification Sherloc (09022015). Collection method: clinical testing. Allele origin: germline.

Ambry Genetics
Classification: Likely benign for Inborn genetic diseases. Last evaluated: 2024-02-12. Review status: criteria provided, single submitter. Criteria: Ambry Variant Classification Scheme 2023. Collection method: clinical testing. Allele origin: germline.

PreventionGenetics, part of Exact Sciences
Classification: Likely benign for POMP-related condition. Last evaluated: 2020-02-18. Review status: no assertion criteria provided. Collection method: clinical testing. Allele origin: germline. Not counted in ClinVar's aggregate classification.
Comment: This variant is classified as likely benign based on ACMG/AMP sequence variant interpretation guidelines (Richards et al. 2015 PMID: 25741868, with internal and published modifications).